The following is an entry in ClinVar:

NM_000193.4(SHH):c.834C>A (p.Asn278Lys)

Gene: SHH (sonic hedgehog signaling molecule; minus strand). Cytogenetic location: 7q36.3.
Variant type: single nucleotide variant.
Coding change: c.834C>A on transcript NM_000193.4 (MANE Select); coding-DNA position 834, C replaced by A.
Protein change: p.Asn278Lys; replaces asparagine 278 with lysine.
Molecular consequence: missense variant. On other transcripts: intron variant (1).
Genome position (GRCh38, 1-based): chr7:155,803,455, G>T on the plus strand (C>A on the coding strand, the complement: SHH is on the minus strand). VCF-style: chr7-155803455-G-T. GRCh37 (hg19) VCF-style: chr7-155596149-G-T.
Other names: c.301+2841C>A (NM_001310462.2); short protein forms N278K.
Identifiers: ClinVar variation 5037044 (VCV005037044.1).
Genomic context (GRCh38, chr7:155,803,455, plus strand): 5'-TGCGCCCCCGGAAGGCGGCCCCGAGCCCGAGGACGCCTCGGGCTCCCCGGTGGCCGAGTC[G>T]TTGTGCGGCGCCACAAAGAGCAGGTGCGCGGCGGTGAGCAGCAGGCGCTCGCGCGGCTCC-3'
Protein context (NP_000184.1, residues 268-288): AAHLLFVAPH[Asn278Lys]DSATGEPEAS

ClinVar aggregate classification (germline): Uncertain significance (1 of 4 stars; one submission).

Submission:

GeneDx
Classification: Uncertain significance. Last evaluated: 2026-04-11. Review status: criteria provided, single submitter. Criteria: GeneDx Variant Classification Process June 2021. Collection method: clinical testing. Allele origin: germline.
Comment: Not observed at significant frequency in large population cohorts (gnomAD); In silico analysis suggests that this missense variant does not alter protein structure/function; Has not been previously published as pathogenic or benign to our knowledge